The following is an entry in ClinVar:

NM_006904.7(PRKDC):c.3245T>C (p.Phe1082Ser)

Gene: PRKDC (protein kinase, DNA-activated, catalytic subunit; minus strand). Cytogenetic location: 8q11.21.
Variant type: single nucleotide variant.
Coding change: c.3245T>C on transcript NM_006904.7 (MANE Select); coding-DNA position 3245, T replaced by C.
Protein change: p.Phe1082Ser; replaces phenylalanine 1082 with serine.
Molecular consequence: missense variant.
Genome position (GRCh38, 1-based): chr8:47,902,593, A>G on the plus strand (T>C on the coding strand, the complement: PRKDC is on the minus strand). VCF-style: chr8-47902593-A-G. GRCh37 (hg19) VCF-style: chr8-48815153-A-G.
Other names: c.3245T>C, p.Phe1082Ser (NM_001081640.2); short protein forms F1082S.
Identifiers: ClinVar variation 3225829 (VCV003225829.1), dbSNP rs2551875539, ClinGen allele CA371156516.
Genomic context (GRCh38, chr8:47,902,593, plus strand): 5'-CACAAGTTTCTCTTCTCTGTTGTGTAGCTTACAAACCTGAATTCCCTGTAGATATTATTA[A>G]AGGCAAGTGATGCTCCCAGCCTCTTGAAAGCATTGGGGTGAAGCGCAAGGCTATAAAGTC-3'
Protein context (NP_008835.5, residues 1072-1092): AFKRLGASLA[Phe1082Ser]NNIYREFREE

ClinVar aggregate classification (germline): Uncertain significance (1 of 4 stars; one submission).

Submission:

Ambry Genetics
Classification: Uncertain significance. Last evaluated: 2023-10-25. Review status: criteria provided, single submitter. Criteria: Ambry Variant Classification Scheme 2023. Collection method: clinical testing. Allele origin: germline.
Comment: The p.F1082S variant (also known as c.3245T>C), located in coding exon 27 of the PRKDC gene, results from a T to C substitution at nucleotide position 3245. The phenylalanine at codon 1082 is replaced by serine, an amino acid with highly dissimilar properties. This amino acid position is conserved. In addition, this alteration is predicted to be deleterious by in silico analysis. Since supporting evidence is limited at this time, the clinical significance of this alteration remains unclear.